The following is an entry in ClinVar:

ClinVar aggregate classification (germline): Pathogenic (1 of 4 stars; one submission).

Conditions:
Familial focal epilepsy with variable foci (FPEVF). Identifiers: Orphanet 98820, MedGen C1858477, MONDO:0020310.

Submission:

Labcorp Genetics (formerly Invitae), Labcorp
Classification: Pathogenic for Familial focal epilepsy with variable foci. Last evaluated: 2023-11-08. Review status: criteria provided, single submitter. Criteria: Invitae Variant Classification Sherloc (09022015). Collection method: clinical testing. Allele origin: unknown.
Comment: This variant is a gross deletion of the genomic region encompassing exon(s) 32 of the DEPDC5 gene. This deletion is out-of-frame, and is expected to create a premature termination codon and result in an absent or disrupted protein product. Loss-of-function variants in DEPDC5 are known to be pathogenic (PMID: 23542697, 23542701). This variant has not been reported in the literature in individuals affected with DEPDC5-related conditions. For these reasons, this variant has been classified as Pathogenic.

Literature cited by the submitters: PubMed 23542697; PubMed 23542701.

NC_000022.10:g.(?_32253411)_(32253559_?)del

Gene: DEPDC5 (DEP domain containing 5, GATOR1 subcomplex subunit; plus strand). Cytogenetic location: 22q12.3.
Variant type: Deletion.
Identifiers: ClinVar variation 3247788 (VCV003247788.1).